The following is an entry in ClinVar:

NM_000829.4(GRIA4):c.227G>A (p.Ser76Asn)

Gene: GRIA4 (glutamate ionotropic receptor AMPA type subunit 4; plus strand). Cytogenetic location: 11q22.3.
Variant type: single nucleotide variant.
Coding change: c.227G>A on transcript NM_000829.4 (MANE Select); coding-DNA position 227, G replaced by A.
Protein change: p.Ser76Asn; replaces serine 76 with asparagine.
Molecular consequence: missense variant. On other transcripts: non-coding transcript variant (1).
Genome position (GRCh38, 1-based): chr11:105,612,414, G>A. VCF-style: chr11-105612414-G-A. GRCh37 (hg19) VCF-style: chr11-105483141-G-A.
Other names: c.227G>A, p.Ser76Asn (NM_001077243.3, NM_001077244.2, NM_001112812.2); short protein forms S76N.
Identifiers: ClinVar variation 2582135 (VCV002582135.1), dbSNP rs2496353645, ClinGen allele CA382298786.

ClinVar aggregate classification (germline): Uncertain significance (1 of 4 stars; one submission).

Submission:

GeneDx
Classification: Uncertain significance. Last evaluated: 2023-03-29. Review status: criteria provided, single submitter. Criteria: GeneDx Variant Classification Process June 2021. Collection method: clinical testing. Allele origin: germline. Affected: yes.
Comment: Not observed at significant frequency in large population cohorts (gnomAD); In silico analysis supports that this missense variant has a deleterious effect on protein structure/function; Has not been previously published as pathogenic or benign to our knowledge